The following is an entry in ClinVar:

NM_000217.3(KCNA1):c.*2488T>C

Gene: KCNA1 (potassium voltage-gated channel subfamily A member 1; plus strand). Cytogenetic location: 12p13.32.
Variant type: single nucleotide variant.
Coding change: c.*2488T>C on transcript NM_000217.3 (MANE Select); 2488 bases downstream of the stop codon, T replaced by C.
Molecular consequence: 3 prime UTR variant.
Genome position (GRCh38, 1-based): chr12:4,915,354, T>C. VCF-style: chr12-4915354-T-C. GRCh37 (hg19) VCF-style: chr12-5024520-T-C.
Identifiers: ClinVar variation 880830 (VCV000880830.4), dbSNP rs376503311, ClinGen allele CA231857890.

ClinVar aggregate classification (germline): Likely benign (1 of 4 stars; one submission).

Conditions:
Episodic ataxia type 1 (EA1). Also called: Episodic ataxia/myokymia syndrome; ATAXIA, EPISODIC, WITH MYOKYMIA; MYOKYMIA WITH PERIODIC ATAXIA; PAROXYSMAL ATAXIA WITH NEUROMYOTONIA, HEREDITARY. Identifiers: Orphanet 37612, Orphanet 972, MedGen C1719788, MONDO:0008047, OMIM 160120.

Allele frequency attached by ClinVar (database versions not stated): 1000 Genomes Project 30x 0.00062; 1000 Genomes Project 0.00080; gnomAD 0.00104 and 0.00113; TOPMed 0.00122.

Submission:

Illumina Laboratory Services, Illumina
Classification: Likely benign for Episodic ataxia type 1. Last evaluated: 2018-01-13. Review status: criteria provided, single submitter. Criteria: ICSL Variant Classification Criteria 13 December 2019. Collection method: clinical testing. Allele origin: germline.
Comment: This variant was observed in the ICSL laboratory as part of a predisposition screen in an ostensibly healthy population. It had not been previously curated by ICSL or reported in the Human Gene Mutation Database (HGMD: prior to June 1st, 2018), and was therefore a candidate for classification through an automated scoring system. Utilizing variant allele frequency, disease prevalence and penetrance estimates, and inheritance mode, an automated score was calculated to assess if this variant is too frequent to cause the disease. Based on the score and internal cut-off values, a variant classified as likely benign is not then subjected to further curation. The score for this variant resulted in a classification of likely benign for this disease.